The following is an entry in ClinVar:

NM_002585.4(PBX1):c.907A>G (p.Asn303Asp)

Gene: PBX1 (PBX homeobox 1; plus strand). Cytogenetic location: 1q23.3.
Variant type: single nucleotide variant.
Coding change: c.907A>G on transcript NM_002585.4 (MANE Select); coding-DNA position 907, A replaced by G.
Protein change: p.Asn303Asp; replaces asparagine 303 with aspartic acid.
Molecular consequence: missense variant.
Genome position (GRCh38, 1-based): chr1:164,812,059, A>G. VCF-style: chr1-164812059-A-G. GRCh37 (hg19) VCF-style: chr1-164781296-A-G.
Other names: c.907A>G, p.Asn303Asp (NM_001204961.2, NM_001204963.2, NM_001353131.2); c.658A>G, p.Asn220Asp (NM_001353130.1); short protein forms N220D, N303D.
Identifiers: ClinVar variation 5009512 (VCV005009512.1).

ClinVar aggregate classification (germline): Uncertain significance (1 of 4 stars; one submission).

Submission:

GeneDx
Classification: Uncertain significance. Last evaluated: 2026-03-19. Review status: criteria provided, single submitter. Criteria: GeneDx Variant Classification Process June 2021. Collection method: clinical testing. Allele origin: germline.
Comment: Not observed at significant frequency in large population cohorts (gnomAD); In silico analysis supports that this missense variant has a deleterious effect on protein structure/function; Has not been previously published as pathogenic or benign to our knowledge.